The following is an entry in ClinVar:

ClinVar aggregate classification (germline): Pathogenic (1 of 4 stars; one submission).

Submission:

Labcorp Genetics (formerly Invitae), Labcorp
Classification: Pathogenic. Last evaluated: 2021-10-08. Review status: criteria provided, single submitter. Criteria: Invitae Variant Classification Sherloc (09022015). Collection method: clinical testing. Allele origin: germline.
Comment: This variant has not been reported in the literature in individuals affected with GJB2-related conditions. This variant is not present in population databases (ExAC no frequency). This sequence change creates a premature translational stop signal (p.Glu209Asnfs*6) in the GJB2 gene. While this is not anticipated to result in nonsense mediated decay, it is expected to disrupt the last 18 amino acid(s) of the GJB2 protein. This variant disrupts a region of the GJB2 protein in which other variant(s) (p.Cys211Leufs*5) have been determined to be pathogenic (PMID: 9529365, 12910486, 20863150). This suggests that this is a clinically significant region of the protein, and that variants that disrupt it are likely to be disease-causing. For these reasons, this variant has been classified as Pathogenic.

Literature cited by the submitters: PubMed 9529365; PubMed 12910486; PubMed 20863150.

NM_004004.6(GJB2):c.624del (p.Glu209fs)

Gene: GJB2 (gap junction protein beta 2; minus strand). Cytogenetic location: 13q12.11.
Variant type: Deletion.
Coding change: c.624del on transcript NM_004004.6 (MANE Select); coding-DNA position 624, one base deleted (T; older notation c.624delT).
Protein change: p.Glu209fs; shifts the reading frame from glutamic acid 209.
Molecular consequence: frameshift variant.
Genome position (GRCh38, 1-based): chr13:20,188,958, A deleted on the plus strand (T on the coding strand, the reverse complement: GJB2 is on the minus strand). VCF-style (leftmost placement, unchanged base first): chr13-20188957-CA-C. GRCh37 (hg19) VCF-style: chr13-20763096-CA-C.
Other names: short protein forms E209fs.
Identifiers: ClinVar variation 1454400 (VCV001454400.6), dbSNP rs2137307021, ClinGen allele CA2573149176.